The following is an entry in ClinVar:

NM_032802.4(SPPL2A):c.1262C>T (p.Ala421Val)

Gene: SPPL2A (signal peptide peptidase like 2A; minus strand). Cytogenetic location: 15q21.2.
Variant type: single nucleotide variant.
Coding change: c.1262C>T on transcript NM_032802.4 (MANE Select); coding-DNA position 1262, C replaced by T.
Protein change: p.Ala421Val; replaces alanine 421 with valine.
Molecular consequence: missense variant.
Genome position (GRCh38, 1-based): chr15:50,722,189, G>A on the plus strand (C>T on the coding strand, the complement: SPPL2A is on the minus strand). VCF-style: chr15-50722189-G-A. GRCh37 (hg19) VCF-style: chr15-51014386-G-A.
Other names: short protein forms A421V.
Identifiers: ClinVar variation 2966366 (VCV002966366.3), dbSNP rs1319983470, ClinGen allele CA392408396.

ClinVar aggregate classification (germline): Uncertain significance (1 of 4 stars; one submission).

Allele frequency attached by ClinVar (database versions not stated): gnomAD exomes below 0.00001; TOPMed below 0.00001; gnomAD 0.00001.
gnomAD v4.1: 4 of 1,584,654 alleles (0.00025%); highest among the groups gnomAD compares: Admixed American, 0.005%; no homozygotes.

Submission:

Labcorp Genetics (formerly Invitae), Labcorp
Classification: Uncertain significance. Last evaluated: 2023-11-19. Review status: criteria provided, single submitter. Criteria: Invitae Variant Classification Sherloc (09022015). Collection method: clinical testing. Allele origin: germline.
Comment: This sequence change replaces alanine, which is neutral and non-polar, with valine, which is neutral and non-polar, at codon 421 of the SPPL2A protein (p.Ala421Val). This variant is present in population databases (no rsID available, gnomAD 0.006%). This variant has not been reported in the literature in individuals affected with SPPL2A-related conditions. An algorithm developed to predict the effect of missense changes on protein structure and function (PolyPhen-2) suggests that this variant is likely to be disruptive. In summary, the available evidence is currently insufficient to determine the role of this variant in disease. Therefore, it has been classified as a Variant of Uncertain Significance.